The following is an entry in ClinVar:

NM_002796.3(PSMB4):c.284T>C (p.Met95Thr)

Gene: PSMB4 (proteasome 20S subunit beta 4; plus strand). Cytogenetic location: 1q21.3.
Variant type: single nucleotide variant.
Coding change: c.284T>C on transcript NM_002796.3 (MANE Select); coding-DNA position 284, T replaced by C.
Protein change: p.Met95Thr; replaces methionine 95 with threonine.
Molecular consequence: missense variant.
Genome position (GRCh38, 1-based): chr1:151,400,124, T>C. VCF-style: chr1-151400124-T-C. GRCh37 (hg19) VCF-style: chr1-151372600-T-C.
Other names: short protein forms M95T.
Identifiers: ClinVar variation 3006794 (VCV003006794.3), dbSNP rs1652763252, ClinGen allele CA341921581.

ClinVar aggregate classification (germline): Uncertain significance (1 of 4 stars; one submission).

Allele frequency attached by ClinVar (database versions not stated): gnomAD exomes below 0.00001; TOPMed below 0.00001; gnomAD 0.00001.

Submission:

Labcorp Genetics (formerly Invitae), Labcorp
Classification: Uncertain significance. Last evaluated: 2022-11-19. Review status: criteria provided, single submitter. Criteria: Invitae Variant Classification Sherloc (09022015). Collection method: clinical testing. Allele origin: germline.
Comment: Algorithms developed to predict the effect of missense changes on protein structure and function (SIFT, PolyPhen-2, Align-GVGD) all suggest that this variant is likely to be tolerated. In summary, the available evidence is currently insufficient to determine the role of this variant in disease. Therefore, it has been classified as a Variant of Uncertain Significance. This variant has not been reported in the literature in individuals affected with PSMB4-related conditions. This variant is not present in population databases (gnomAD no frequency). This sequence change replaces methionine, which is neutral and non-polar, with threonine, which is neutral and polar, at codon 95 of the PSMB4 protein (p.Met95Thr).